The following is an entry in ClinVar:

ClinVar aggregate classification (germline): Uncertain significance (1 of 4 stars; one submission).

Submission:

GeneDx
Classification: Uncertain significance. Last evaluated: 2024-04-24. Review status: criteria provided, single submitter. Criteria: GeneDx Variant Classification Process June 2021. Collection method: clinical testing. Allele origin: germline. Affected: yes.
Comment: Not observed at significant frequency in large population cohorts (gnomAD); In silico analysis supports that this missense variant has a deleterious effect on protein structure/function; Has not been previously published as pathogenic or benign to our knowledge

NM_001040142.2(SCN2A):c.2549G>A (p.Arg850Gln)

Gene: SCN2A (sodium voltage-gated channel alpha subunit 2; plus strand). Cytogenetic location: 2q24.3.
Variant type: single nucleotide variant.
Coding change: c.2549G>A on transcript NM_001040142.2 (MANE Select); coding-DNA position 2549, G replaced by A.
Protein change: p.Arg850Gln; replaces arginine 850 with glutamine.
Molecular consequence: missense variant.
Genome position (GRCh38, 1-based): chr2:165,342,456, G>A. VCF-style: chr2-165342456-G-A. GRCh37 (hg19) VCF-style: chr2-166198966-G-A.
Other names: c.2549G>A, p.Arg850Gln (NM_001040143.2, NM_001371246.1, NM_001371247.1 and 1 more transcripts); short protein forms R850Q.
Identifiers: ClinVar variation 3372975 (VCV003372975.1).